The following is an entry in ClinVar:

NM_001369.3(DNAH5):c.5881dup (p.Arg1961fs)

Gene: DNAH5 (dynein axonemal heavy chain 5; minus strand). Cytogenetic location: 5p15.2.
Variant type: Duplication.
Coding change: c.5881dup on transcript NM_001369.3 (MANE Select); coding-DNA position 5881, one base duplicated (A; older notation c.5881dupA).
Protein change: p.Arg1961fs; shifts the reading frame from arginine 1961.
Molecular consequence: frameshift variant.
Genome position (GRCh38, 1-based): chr5:13,839,357, T duplicated on the plus strand (A on the coding strand, the reverse complement: DNAH5 is on the minus strand). VCF-style (leftmost placement, unchanged base first): chr5-13839356-C-CT. GRCh37 (hg19) VCF-style: chr5-13839465-C-CT.
Other names: c.5881dupA (NM_001369.2); short protein forms R1961fs.
Identifiers: ClinVar variation 525430 (VCV000525430.7), dbSNP rs1554072027, ClinGen allele CA658796500.

ClinVar aggregate classification (germline): Pathogenic (1 of 4 stars; one submission).

Conditions:
Primary ciliary dyskinesia. Also called: Ciliary dyskinesia. Identifiers: Orphanet 244, MedGen C0008780, MONDO:0016575, HP:0012265.

Submission:

Labcorp Genetics (formerly Invitae), Labcorp
Classification: Pathogenic for Primary ciliary dyskinesia. Last evaluated: 2017-12-06. Review status: criteria provided, single submitter. Criteria: Invitae Variant Classification Sherloc (09022015). Collection method: clinical testing. Allele origin: germline.
Comment: Loss-of-function variants in DNAH5 are known to be pathogenic (PMID: 11788826, 16627867). This variant has not been reported in the literature in individuals with DNAH5-related disease. This variant is not present in population databases (ExAC no frequency). This sequence change creates a premature translational stop signal (p.Arg1961Lysfs*31) in the DNAH5 gene. It is expected to result in an absent or disrupted protein product. For these reasons, this variant has been classified as Pathogenic.

Literature cited by the submitters: PubMed 11788826; PubMed 16627867.